The following is an entry in ClinVar:

NM_004484.4(GPC3):c.1550A>G (p.Lys517Arg)

Gene: GPC3 (glypican 3; minus strand). Cytogenetic location: Xq26.2.
Variant type: single nucleotide variant.
Coding change: c.1550A>G on transcript NM_004484.4 (MANE Select); coding-DNA position 1550, A replaced by G.
Protein change: p.Lys517Arg; replaces lysine 517 with arginine.
Molecular consequence: missense variant.
Genome position (GRCh38, 1-based): chrX:133,596,463, T>C on the plus strand (A>G on the coding strand, the complement: GPC3 is on the minus strand). VCF-style: chrX-133596463-T-C. GRCh37 (hg19) VCF-style: chrX-132730491-T-C.
Other names: c.1550A>G (NM_004484.3); c.1619A>G, p.Lys540Arg (NM_001164617.2); c.1502A>G, p.Lys501Arg (NM_001164618.2); c.1388A>G, p.Lys463Arg (NM_001164619.2); short protein forms K463R, K540R, K501R, K517R.
Identifiers: ClinVar variation 1499400 (VCV001499400.10), dbSNP rs758464784, ClinGen allele CA335970530.

ClinVar aggregate classification (germline): Conflicting classifications of pathogenicity. Review status: criteria provided, conflicting classifications (1 of 4 stars). 2 submissions from 2 submitters: Uncertain significance (1); Likely benign (1). Last evaluated 2026-01-11.

Conditions:
Inborn genetic diseases. Identifiers: MedGen C0950123, MeSH D030342.
Wilms tumor 1 (WT1). Also called: Wilms tumor, somatic. Identifiers: Orphanet 654, MedGen CN033288, MONDO:0008679, OMIM 194070.

Allele frequency attached by ClinVar (database versions not stated): gnomAD exomes 0.00001; gnomAD 0.00002; TOPMed 0.00002; 1000 Genomes Project 30x 0.00042; 1000 Genomes Project 0.00053.
gnomAD v4.1: 2 of 1,208,684 alleles (0.00017%); highest among the groups gnomAD compares: East Asian, 0.0059%; no homozygotes.

Submissions (2):

Labcorp Genetics (formerly Invitae), Labcorp
Classification: Uncertain significance for Wilms tumor 1. Last evaluated: 2026-01-11. Review status: criteria provided, single submitter. Criteria: Invitae Variant Classification Sherloc (09022015). Collection method: clinical testing. Allele origin: germline.
Comment: This sequence change replaces lysine, which is basic and polar, with arginine, which is basic and polar, at codon 517 of the GPC3 protein (p.Lys517Arg). This variant is not present in population databases (gnomAD no frequency). This variant has not been reported in the literature in individuals affected with GPC3-related conditions. ClinVar contains an entry for this variant (Variation ID: 1499400). An algorithm developed to predict the effect of missense changes on protein structure and function outputs the following: PolyPhen-2: "Benign". The arginine amino acid residue is found in multiple mammalian species, which suggests that this missense change does not adversely affect protein function. In summary, the available evidence is currently insufficient to determine the role of this variant in disease. Therefore, it has been classified as a Variant of Uncertain Significance.

Ambry Genetics
Classification: Likely benign for Inborn genetic diseases. Last evaluated: 2023-04-18. Review status: criteria provided, single submitter. Criteria: Ambry Variant Classification Scheme 2023. Collection method: clinical testing. Allele origin: germline.